The following is an entry in ClinVar:

ClinVar aggregate classification (germline): Benign/Likely benign. Review status: criteria provided, multiple submitters, no conflicts (2 of 4 stars). 2 submissions from 2 submitters: Benign (1); Likely benign (1). Last evaluated 2025-04-01.

Allele frequency attached by ClinVar (database versions not stated): 1000 Genomes Project 0.00140; 1000 Genomes Project 30x 0.00141; TOPMed 0.00235; ESP Exome Variant Server 0.00308; gnomAD exomes 0.00436 and 0.00669; ExAC 0.00635; gnomAD 0.00654 and 0.00687.
gnomAD v4.1: 7,272 of 1,606,406 alleles (0.45%); highest among the groups gnomAD compares: Non-Finnish European, 0.36%; 98 homozygotes.

Submissions (2):

CeGaT Center for Human Genetics Tuebingen
Classification: Likely benign. Last evaluated: 2025-04-01. Review status: criteria provided, single submitter. Criteria: CeGaT Center For Human Genetics Tuebingen Variant Classification Criteria Version 2. Collection method: clinical testing. Allele origin: germline. Affected: yes. Observed: 2 variant alleles.
Comment: FCRL3: BP4, BS2

Labcorp Genetics (formerly Invitae), Labcorp
Classification: Benign. Last evaluated: 2018-03-29. Review status: criteria provided, single submitter. Criteria: Invitae Variant Classification Sherloc (09022015). Collection method: clinical testing. Allele origin: germline.

NM_052939.4(FCRL3):c.1132A>G (p.Ile378Val)

Genes: FCRL3 (Fc receptor like 3; minus strand), FCRL3-AS1 (FCRL3 antisense RNA 1; plus strand). Cytogenetic location: 1q23.1.
Variant type: single nucleotide variant.
Coding change: c.1132A>G on transcript NM_052939.4 (MANE Select); coding-DNA position 1132, A replaced by G.
Protein change: p.Ile378Val; replaces isoleucine 378 with valine.
Molecular consequence: missense variant. On other transcripts: non-coding transcript variant (4).
Genome position (GRCh38, 1-based): chr1:157,696,040, T>C on the plus strand (A>G on the coding strand, the complement: FCRL3 is on the minus strand). VCF-style: chr1-157696040-T-C. GRCh37 (hg19) VCF-style: chr1-157665830-T-C.
Other names: c.1132A>G, p.Ile378Val (NM_001320333.2); short protein forms I378V.
Identifiers: ClinVar variation 776340 (VCV000776340.17), dbSNP rs140279920, ClinGen allele CA1175456.